The following is an entry in ClinVar:

ClinVar aggregate classification (germline): Likely pathogenic (1 of 4 stars; one submission).

Submission:

GeneDx
Classification: Likely pathogenic. Last evaluated: 2018-03-13. Review status: criteria provided, single submitter. Criteria: GeneDx Variant Classification (06012015). Collection method: clinical testing. Allele origin: germline. Affected: yes.
Comment: The c.12405_12406delAG variant has not been published as a pathogenic variant, nor has it been reported as a benign variant to our knowledge. No data are available from control populations to assess the frequency of this variant. The c.12405_12406delAG variant causes a frameshift starting with codon Arginine 4135, changes this amino acid to a Serine residue, and creates a premature Stop codon at position 10 of the new reading frame, denoted p.Arg4135SerfsX10. This variant is predicted to cause loss of normal protein function either through protein truncation or nonsense-mediated mRNA decay.

NM_001164508.2(NEB):c.12405_12406del (p.Arg4135fs)

Gene: NEB (nebulin; minus strand). Cytogenetic location: 2q23.3.
Variant type: Microsatellite.
Coding change: c.12405_12406del on transcript NM_001164508.2 (MANE Select); coding-DNA positions 12405 to 12406, 2 bases deleted (AG; older notation c.12405_12406delAG).
Protein change: p.Arg4135fs; shifts the reading frame from arginine 4135.
Molecular consequence: frameshift variant. On other transcripts: intron variant (1).
Genome position (GRCh38, 1-based): chr2:151,608,601-151,608,602, CT deleted on the plus strand (AG on the coding strand, the reverse complement: NEB is on the minus strand); deleting any 2 consecutive bases within chr2:151,608,601-151,608,604 gives the same sequence; the c. name uses the placement nearest the transcript's 3' end. VCF-style (leftmost placement, unchanged base first): chr2-151608600-ACT-A. GRCh37 (hg19) VCF-style: chr2-152465114-ACT-A.
Other names: c.12405_12406del, p.Arg4135fs (NM_001164507.2, NM_001271208.2); c.11601+1207_11601+1208del (NM_004543.5); short protein forms R4135fs.
Identifiers: ClinVar variation 524005 (VCV000524005.2), dbSNP rs1553877885, ClinGen allele CA658795882.